The following is an entry in ClinVar:

NM_001399.5(EDA):c.1013C>T (p.Thr338Met)

Gene: EDA (ectodysplasin A; plus strand). Cytogenetic location: Xq13.1.
Variant type: single nucleotide variant.
Coding change: c.1013C>T on transcript NM_001399.5 (MANE Select); coding-DNA position 1013, C replaced by T.
Protein change: p.Thr338Met; replaces threonine 338 with methionine.
Molecular consequence: missense variant.
Genome position (GRCh38, 1-based): chrX:70,035,446, C>T. VCF-style: chrX-70035446-C-T. GRCh37 (hg19) VCF-style: chrX-69255296-C-T.
Other names: c.1007C>T, p.Thr336Met (NM_001005609.2); c.998C>T, p.Thr333Met (NM_001005612.3); short protein forms T338M, T333M, T336M.
Identifiers: ClinVar variation 11048 (VCV000011048.13), dbSNP rs132630321, ClinGen allele CA121314.

ClinVar aggregate classification (germline): Pathogenic. Review status: criteria provided, multiple submitters, no conflicts (2 of 4 stars). 5 submissions from 5 submitters: Pathogenic (4). 1 of the submissions does not count toward it. Last evaluated 2024-10-09.

Conditions:
Tooth agenesis, selective, X-linked, 1 (STHAGX1). Also called: HYPODONTIA/OLIGODONTIA, X-LINKED, 1. Identifiers: Orphanet 99798, MedGen C1970757, MONDO:0010741, OMIM 313500. Disease mechanism: loss of function.
Hypohidrotic X-linked ectodermal dysplasia (XHED). Also called: Ectodermal Dysplasia 1, Anhidrotic; Christ-Siemans-Touraine syndrome; ECTODERMAL DYSPLASIA, HYPOHIDROTIC, 1; CST SYNDROME; ECTODERMAL DYSPLASIA 1; Anhidrotic ectodermal dysplasia X-linked. Identifiers: Orphanet 181, Orphanet 238468, MedGen C0162359, MONDO:0010585, OMIM 305100.

Allele frequency attached by ClinVar (database versions not stated): gnomAD exomes below 0.00001 and 0.00001; gnomAD 0.00001; TOPMed 0.00002.
gnomAD v4.1: 3 of 1,207,869 alleles (0.00025%); highest among the groups gnomAD compares: African/African-American, 0.0018%; no homozygotes.

Submissions (5):

Victorian Clinical Genetics Services, Murdoch Childrens Research Institute
Classification: Pathogenic for Hypohidrotic X-linked ectodermal dysplasia. Last evaluated: 2024-10-09. Review status: criteria provided, single submitter. Criteria: ACMG Guidelines, 2015. Collection method: clinical testing. Allele origin: germline. Inheritance: X-linked recessive inheritance. Affected: no.
Comment: Based on the classification scheme VCGS_Germline_v1.3.4, this variant is classified as Pathogenic. Following criteria are met: 0102 - Loss of function is a known mechanism of disease in this gene and is associated with X-linked recessive ectodermal dysplasia 1, hypohidrotic (HED; MIM#305100) and X-linked dominant tooth agenesis, selective 1 (TA; MIM#313500). (I) 0108 - This gene is associated with both X-linked recessive and dominant disease. Female carriers of variants causing either condition may be normal or mildly affected, depending on skewed X-inactivation (PMID: 18510547, 16583127). (I) 0200 - Variant is predicted to result in a missense amino acid change from threonine to methionine. (I) 0251 - This variant is heterozygous. (I) 0304 - Variant is present in gnomAD <0.01 for a recessive condition (1 heterozygote, 0 homozygotes, 0 hemizygotes). (SP) 0502 - Missense variant with conflicting in silico predictions and uninformative conservation. (I) 0600 - Variant is located in the annotated TNF domain (DECIPHER). (I) 0801 - This variant has very strong previous evidence of pathogenicity in unrelated individuals. It has been classified as pathogenic in ClinVar, and detected mostly in individuals with non-syndromic tooth agenesis (PMID: 28052341, 34545288, 36071541, 33943035). However, individuals with HED have also been reported (PMID: 27657131, 30417976). Female carriers may be unaffected or present milder features (PMID: 28052341). Legend: (SP) - Supporting pathogenic, (I) - Information, (SB) - Supporting benign ||||

Labcorp Genetics (formerly Invitae), Labcorp
Classification: Pathogenic for Hypohidrotic X-linked ectodermal dysplasia. Last evaluated: 2024-06-26. Review status: criteria provided, single submitter. Criteria: Invitae Variant Classification Sherloc (09022015). Collection method: clinical testing. Allele origin: germline.
Comment: This sequence change replaces threonine, which is neutral and polar, with methionine, which is neutral and non-polar, at codon 338 of the EDA protein (p.Thr338Met). This variant is not present in population databases (gnomAD no frequency). This missense change has been observed in individual(s) with isolated tooth agenesis and hypohidrotic ectodermal dysplasia (PMID: 18545687, 18657636, 27657131). It has also been observed to segregate with disease in related individuals. ClinVar contains an entry for this variant (Variation ID: 11048). Advanced modeling of protein sequence and biophysical properties (such as structural, functional, and spatial information, amino acid conservation, physicochemical variation, residue mobility, and thermodynamic stability) performed at Invitae indicates that this missense variant is expected to disrupt EDA protein function with a positive predictive value of 95%. Experimental studies have shown that this missense change affects EDA function (PMID: 19623212). For these reasons, this variant has been classified as Pathogenic.

Natera, Inc.
Classification: Pathogenic for Christ-Siemens-Touraine syndrome. Last evaluated: 2024-04-22. Review status: criteria provided, single submitter. Criteria: Natera Variant Classification Schema (03/2026). Collection method: clinical testing. Allele origin: germline.
Comment: The c.1013C>T variant in EDA is a missense variant predicted to cause substitution of threonine to methionine at amino acid 338. This variant is rare in the general population with a frequency below the threshold expected for the associated phenotype(s). This variant has been observed in affected individual(s) with monoallelic occurrence (heterozygous/hemizygous) (PMID: 18545687, 18657636, 28052341). This variant has been observed to segregate in affected family members (PMID: 18545687, 18657636, 28052341). Functional studies show that this variant may disrupt protein function (PMID: 30417976, 19623212). Given the available evidence, this variant is classified as Pathogenic.

Fulgent Genetics
Classification: Pathogenic for Hypohidrotic X-linked ectodermal dysplasia; Tooth agenesis, selective, X-linked, 1. Last evaluated: 2024-01-08. Review status: criteria provided, single submitter. Criteria: ACMG Guidelines, 2015. Collection method: clinical testing. Allele origin: germline.

OMIM
Classification: Pathogenic for TOOTH AGENESIS, SELECTIVE, X-LINKED, 1. Last evaluated: 2008-11-01. Review status: no assertion criteria provided. Collection method: literature only. Allele origin: germline. Not counted in ClinVar's aggregate classification.

Literature cited by the submitters: PubMed 16583127 (cited by Victorian Clinical Genetics Services, Murdoch Childrens Research Institute); PubMed 18510547 (cited by Victorian Clinical Genetics Services, Murdoch Childrens Research Institute); PubMed 27657131 (cited by Victorian Clinical Genetics Services, Murdoch Childrens Research Institute and Labcorp Genetics (formerly Invitae), Labcorp); PubMed 28052341 (cited by Victorian Clinical Genetics Services, Murdoch Childrens Research Institute and Natera, Inc.); PubMed 30417976 (cited by Victorian Clinical Genetics Services, Murdoch Childrens Research Institute and Natera, Inc.); PubMed 33943035 (cited by Victorian Clinical Genetics Services, Murdoch Childrens Research Institute); PubMed 34545288 (cited by Victorian Clinical Genetics Services, Murdoch Childrens Research Institute); PubMed 36071541 (cited by Victorian Clinical Genetics Services, Murdoch Childrens Research Institute); PubMed 18545687 (cited by Labcorp Genetics (formerly Invitae), Labcorp and Natera, Inc.); PubMed 18657636 (cited by 3 submitters); PubMed 19623212 (cited by Labcorp Genetics (formerly Invitae), Labcorp and Natera, Inc.).